The following is an entry in ClinVar:

ClinVar aggregate classification (germline): Uncertain significance (1 of 4 stars; one submission).

Conditions:
Inborn genetic diseases. Identifiers: MedGen C0950123, MeSH D030342.

Submission:

Ambry Genetics
Classification: Uncertain significance for Inborn genetic diseases. Last evaluated: 2025-06-20. Review status: criteria provided, single submitter. Criteria: Ambry Variant Classification Scheme 2023. Collection method: clinical testing. Allele origin: germline.
Comment: The p.A112P variant (also known as c.334G>C), located in coding exon 3 of the SBDS gene, results from a G to C substitution at nucleotide position 334. The alanine at codon 112 is replaced by proline, an amino acid with highly similar properties. This amino acid position is conserved. In addition, this alteration is predicted to be deleterious by in silico analysis. Based on the available evidence, the clinical significance of this variant remains unclear.

NM_016038.4(SBDS):c.334G>C (p.Ala112Pro)

Gene: SBDS (SBDS ribosome maturation factor; minus strand). Cytogenetic location: 7q11.21.
Variant type: single nucleotide variant.
Coding change: c.334G>C on transcript NM_016038.4 (MANE Select); coding-DNA position 334, G replaced by C.
Protein change: p.Ala112Pro; replaces alanine 112 with proline.
Molecular consequence: missense variant.
Genome position (GRCh38, 1-based): chr7:66,993,342, C>G on the plus strand (G>C on the coding strand, the complement: SBDS is on the minus strand). VCF-style: chr7-66993342-C-G. GRCh37 (hg19) VCF-style: chr7-66458329-C-G.
Other names: short protein forms A112P.
Identifiers: ClinVar variation 4159795 (VCV004159795.1).
Genomic context (GRCh38, chr7:66,993,342, plus strand): 5'-GGATCACGGTGTATGGTCTCTTTGTTTCAGGATTCACACATTTGTCTGCCACAATAGTTG[C>G]AATGTCCCTAAACATCTGCTCCAGTTGTGTGTGTCTTTCTTTATCTGATACTTGAACTTC-3'
Protein context (NP_057122.2, residues 102-122): TQLEQMFRDI[Ala112Pro]TIVADKCVNP